The following is an entry in ClinVar:

NM_002860.4(ALDH18A1):c.641A>T (p.Asn214Ile)

Gene: ALDH18A1 (aldehyde dehydrogenase 18 family member A1; minus strand). Cytogenetic location: 10q24.1.
Variant type: single nucleotide variant.
Coding change: c.641A>T on transcript NM_002860.4 (MANE Select); coding-DNA position 641, A replaced by T.
Protein change: p.Asn214Ile; replaces asparagine 214 with isoleucine.
Molecular consequence: missense variant.
Genome position (GRCh38, 1-based): chr10:95,633,567, T>A on the plus strand (A>T on the coding strand, the complement: ALDH18A1 is on the minus strand). VCF-style: chr10-95633567-T-A. GRCh37 (hg19) VCF-style: chr10-97393324-T-A.
Other names: c.641A>T, p.Asn214Ile (NM_001017423.2, NM_001323413.2, NM_001323414.2 and 1 more transcripts); c.308A>T, p.Asn103Ile (NM_001323412.2, NM_001323416.2, NM_001323418.2); c.536A>T, p.Asn179Ile (NM_001323417.2); c.5A>T, p.Asn2Ile (NM_001323419.2); short protein forms N103I, N179I, N214I, N2I.
Identifiers: ClinVar variation 4537734 (VCV004537734.1).
Genomic context (GRCh38, chr10:95,633,567, plus strand): 5'-TCACTGTTGGGCTCAGCTGGGGGGACAACAGCATCATTTGTGTTGACAATGGGGACAATG[T>A]TCATTCTAAGGAGTTCATGAAGTGTTCCATTGAGGTTCCGGCGCTTCTGCTCATCATGGA-3'
Protein context (NP_002851.2, residues 204-224): NGTLHELLRM[Asn214Ile]IVPIVNTNDA

ClinVar aggregate classification (germline): Uncertain significance (1 of 4 stars; one submission).

Submission:

GeneDx
Classification: Uncertain significance. Last evaluated: 2025-06-15. Review status: criteria provided, single submitter. Criteria: GeneDx Variant Classification Process June 2021. Collection method: clinical testing. Allele origin: germline. Affected: yes.
Comment: Not observed at significant frequency in large population cohorts (gnomAD); In silico analysis supports that this missense variant has a deleterious effect on protein structure/function; Has not been previously published as pathogenic or benign to our knowledge